The following is an entry in ClinVar:

NM_004727.3(SLC24A1):c.1901G>A (p.Gly634Glu)

Gene: SLC24A1 (solute carrier family 24 member 1; plus strand). Cytogenetic location: 15q22.31.
Variant type: single nucleotide variant.
Coding change: c.1901G>A on transcript NM_004727.3 (MANE Select); coding-DNA position 1901, G replaced by A.
Protein change: p.Gly634Glu; replaces glycine 634 with glutamic acid.
Molecular consequence: missense variant. On other transcripts: intron variant (2).
Genome position (GRCh38, 1-based): chr15:65,638,138, G>A. VCF-style: chr15-65638138-G-A. GRCh37 (hg19) VCF-style: chr15-65930476-G-A.
Other names: c.1901G>A, p.Gly634Glu (NM_001301031.1); c.1891-1457G>A (NM_001301033.2, NM_001301032.1); c.1901G>A (NM_004727.2); short protein forms G634E.
Identifiers: ClinVar variation 1486995 (VCV001486995.5), dbSNP rs1219274227, ClinGen allele CA392919461.
Genomic context (GRCh38, chr15:65,638,138, plus strand): 5'-AAAGTGAGGGTCTCGCCACAACATCTCGTGACTCCTCTCCCTGTTTGCAGCCGGGCGATG[G>A]GGCCATTGCGGTGGATGAGCTACAGGATAACAAGAAGCTGAAGGTGGGTGCCGTATGGAG-3'
Protein context (NP_004718.1, residues 624-644): ALEDLSKPGD[Gly634Glu]AIAVDELQDN

ClinVar aggregate classification (germline): Uncertain significance. Review status: criteria provided, multiple submitters, no conflicts (2 of 4 stars). 2 submissions from 2 submitters: Uncertain significance (2). Last evaluated 2023-02-22.

Conditions:
Inborn genetic diseases. Identifiers: MedGen C0950123, MeSH D030342.

Allele frequency attached by ClinVar (database versions not stated): TOPMed below 0.00001; gnomAD exomes 0.00001.
gnomAD v4.1: 14 of 1,610,106 alleles (0.00087%); highest among the groups gnomAD compares: South Asian, 0.0011%; no homozygotes.

Submissions (2):

Ambry Genetics
Classification: Uncertain significance for Inborn genetic diseases. Last evaluated: 2023-02-22. Review status: criteria provided, single submitter. Criteria: Ambry Variant Classification Scheme 2023. Collection method: clinical testing. Allele origin: germline.

Labcorp Genetics (formerly Invitae), Labcorp
Classification: Uncertain significance. Last evaluated: 2022-06-20. Review status: criteria provided, single submitter. Criteria: Invitae Variant Classification Sherloc (09022015). Collection method: clinical testing. Allele origin: germline.
Comment: This sequence change replaces glycine, which is neutral and non-polar, with glutamic acid, which is acidic and polar, at codon 634 of the SLC24A1 protein (p.Gly634Glu). This variant is not present in population databases (gnomAD no frequency). This variant has not been reported in the literature in individuals affected with SLC24A1-related conditions. Algorithms developed to predict the effect of missense changes on protein structure and function output the following: SIFT: "Tolerated"; PolyPhen-2: "Benign"; Align-GVGD: "Class C0". The glutamic acid amino acid residue is found in multiple mammalian species, which suggests that this missense change does not adversely affect protein function. In summary, the available evidence is currently insufficient to determine the role of this variant in disease. Therefore, it has been classified as a Variant of Uncertain Significance.